The following is an entry in ClinVar:

NM_004360.5(CDH1):c.2202A>G (p.Arg734=)

Gene: CDH1 (cadherin 1; plus strand). Cytogenetic location: 16q22.1.
Variant type: single nucleotide variant.
Coding change: c.2202A>G on transcript NM_004360.5 (MANE Select); coding-DNA position 2202, A replaced by G.
Protein change: p.Arg734=; no amino-acid change (arginine 734 retained).
Molecular consequence: synonymous variant.
Genome position (GRCh38, 1-based): chr16:68,828,211, A>G. VCF-style: chr16-68828211-A-G. GRCh37 (hg19) VCF-style: chr16-68862114-A-G.
Other names: c.2019A>G, p.Arg673= (NM_001317184.2); c.654A>G, p.Arg218= (NM_001317185.2); c.237A>G, p.Arg79= (NM_001317186.2).
Identifiers: ClinVar variation 1787646 (VCV001787646.3), dbSNP rs745717070, ClinGen allele CA496157143.

ClinVar aggregate classification (germline): Benign/Likely benign. Review status: criteria provided, multiple submitters, no conflicts (2 of 4 stars). 2 submissions from 2 submitters: Benign (1); Likely benign (1). Last evaluated 2024-09-20.

Conditions:
Hereditary cancer-predisposing syndrome. Also called: Tumor predisposition; Neoplastic Syndromes, Hereditary; Hereditary Cancer Syndrome; Hereditary neoplastic syndrome. Identifiers: Orphanet 140162, MedGen C0027672, MeSH D009386, MONDO:0015356.
Hereditary diffuse gastric adenocarcinoma (HDGC). Also called: DIFFUSE GASTRIC AND LOBULAR BREAST CANCER SYNDROME. Identifiers: Orphanet 26106, MedGen C1708349, MONDO:0007648, OMIM 137215.

Submissions (2):

Myriad Genetics, Inc.
Classification: Benign for Hereditary diffuse gastric adenocarcinoma. Last evaluated: 2024-09-20. Review status: criteria provided, single submitter. Criteria: Myriad Autosomal Dominant, Autosomal Recessive and X-Linked Classification Criteria (2023). Collection method: clinical testing. Allele origin: unknown.
Comment: This variant is considered benign. This variant is a silent/synonymous amino acid change and it is not expected to impact splicing.

Ambry Genetics
Classification: Likely benign for Hereditary cancer-predisposing syndrome. Last evaluated: 2022-03-01. Review status: criteria provided, single submitter. Criteria: Ambry Variant Classification Scheme 2023. Collection method: clinical testing. Allele origin: germline.